The following is an entry in ClinVar:

NM_019066.5(MAGEL2):c.1624G>T (p.Val542Leu)

Gene: MAGEL2 (MAGE family member L2; minus strand). Cytogenetic location: 15q11.2.
Variant type: single nucleotide variant.
Coding change: c.1624G>T on transcript NM_019066.5 (MANE Select); coding-DNA position 1624, G replaced by T.
Protein change: p.Val542Leu; replaces valine 542 with leucine.
Molecular consequence: missense variant.
Genome position (GRCh38, 1-based): chr15:23,646,119, C>A on the plus strand (G>T on the coding strand, the complement: MAGEL2 is on the minus strand). VCF-style: chr15-23646119-C-A. GRCh37 (hg19) VCF-style: chr15-23891266-C-A.
Other names: short protein forms V542L.
Identifiers: ClinVar variation 4996833 (VCV004996833.1).
Genomic context (GRCh38, chr15:23,646,119, plus strand): 5'-GCACCTGCGGGCCAGCGGGCGGCGCCGCGGGTACCTGCGTAGCAGGTGGGGCCGTAGGCA[C>A]CTGCGGCGCCGCCTGCACCTGCGGGGCCGGCAGCCTAGCCTGCGGGGCCTGCCGCAGTGG-3'
Protein context (NP_061939.3, residues 532-552): PAPQVQAAPQ[Val542Leu]PTAPPATQVP

ClinVar aggregate classification (germline): Uncertain significance (1 of 4 stars; one submission).

Conditions:
MAGEL2-related disorder. Also called: MAGEL2-related condition.

gnomAD v4.1: 1 of 1,372,394 alleles (0.000073%); highest among the groups gnomAD compares: East Asian, 0.003%; no homozygotes.

Submission:

PreventionGenetics, part of Exact Sciences
Classification: Uncertain significance for MAGEL2-related condition. Last evaluated: 2025-06-26. Review status: criteria provided, single submitter. Criteria: ACMG Guidelines, 2015. Collection method: clinical testing. Allele origin: germline.
Comment: The MAGEL2 c.1624G>T variant is predicted to result in the amino acid substitution p.Val542Leu. To our knowledge, this variant has not been reported in the literature or in a large population database (gnomAD), indicating this variant is rare. At this time, the clinical significance of this variant is uncertain due to the absence of conclusive functional and genetic evidence.